The following is an entry in ClinVar:

ClinVar aggregate classification (germline): Uncertain significance (1 of 4 stars; one submission).

Submission:

Labcorp Genetics (formerly Invitae), Labcorp
Classification: Uncertain significance. Last evaluated: 2023-12-07. Review status: criteria provided, single submitter. Criteria: Invitae Variant Classification Sherloc (09022015). Collection method: clinical testing. Allele origin: germline.
Comment: This sequence change replaces lysine, which is basic and polar, with threonine, which is neutral and polar, at codon 343 of the COL4A4 protein (p.Lys343Thr). This variant is not present in population databases (gnomAD no frequency). This variant has not been reported in the literature in individuals affected with COL4A4-related conditions. An algorithm developed to predict the effect of missense changes on protein structure and function (PolyPhen-2) suggests that this variant is likely to be disruptive. Algorithms developed to predict the effect of sequence changes on RNA splicing suggest that this variant may disrupt the consensus splice site. In summary, the available evidence is currently insufficient to determine the role of this variant in disease. Therefore, it has been classified as a Variant of Uncertain Significance.

NM_000092.5(COL4A4):c.1028A>C (p.Lys343Thr)

Gene: COL4A4 (collagen type IV alpha 4 chain; minus strand). Cytogenetic location: 2q36.3.
Variant type: single nucleotide variant.
Coding change: c.1028A>C on transcript NM_000092.5 (MANE Select); coding-DNA position 1028, A replaced by C.
Protein change: p.Lys343Thr; replaces lysine 343 with threonine.
Molecular consequence: missense variant.
Genome position (GRCh38, 1-based): chr2:227,101,505, T>G on the plus strand (A>C on the coding strand, the complement: COL4A4 is on the minus strand). VCF-style: chr2-227101505-T-G. GRCh37 (hg19) VCF-style: chr2-227966221-T-G.
Other names: short protein forms K343T.
Identifiers: ClinVar variation 2843859 (VCV002843859.3), dbSNP rs2475528591, ClinGen allele CA350855724.